The following is an entry in ClinVar:

NM_144596.4(TTC8):c.799-1G>T

Gene: TTC8 (tetratricopeptide repeat domain 8; plus strand). Cytogenetic location: 14q31.3.
Variant type: single nucleotide variant.
Coding change: c.799-1G>T on transcript NM_144596.4 (MANE Select); the canonical splice acceptor site of the intron before coding-DNA position 799, G replaced by T.
Molecular consequence: splice acceptor variant.
Genome position (GRCh38, 1-based): chr14:88,861,221, G>T. VCF-style: chr14-88861221-G-T. GRCh37 (hg19) VCF-style: chr14-89327565-G-T.
Other names: c.205-1G>T (NM_001288782.1); c.847-1G>T (NM_001288781.1); c.769-1G>T (NM_198309.3, NM_001366535.2); c.82-1G>T (NM_001288783.1); c.679-1G>T (NM_198310.3, NM_001366536.2).
Identifiers: ClinVar variation 2835458 (VCV002835458.3), dbSNP rs2546212330, ClinGen allele CA390546575.

ClinVar aggregate classification (germline): Likely pathogenic (1 of 4 stars; one submission).

Conditions:
Bardet-Biedl syndrome (BBS). Identifiers: Orphanet 110, MedGen C0752166, MONDO:0015229.

Submission:

Labcorp Genetics (formerly Invitae), Labcorp
Classification: Likely pathogenic for Bardet-Biedl syndrome. Last evaluated: 2023-02-14. Review status: criteria provided, single submitter. Criteria: Invitae Variant Classification Sherloc (09022015). Collection method: clinical testing. Allele origin: germline.
Comment: This sequence change affects an acceptor splice site in intron 9 of the TTC8 gene. It is expected to disrupt RNA splicing. Variants that disrupt the donor or acceptor splice site typically lead to a loss of protein function (PMID: 16199547), and loss-of-function variants in TTC8 are known to be pathogenic (PMID: 16308660, 16877420, 19797195, 21052717, 30886724). This variant is not present in population databases (gnomAD no frequency). Algorithms developed to predict the effect of sequence changes on RNA splicing suggest that this variant may disrupt the consensus splice site. Disruption of this splice site has been observed in individual(s) with Bardet-Biedl syndrome (PMID: 31852928). In summary, the currently available evidence indicates that the variant is pathogenic, but additional data are needed to prove that conclusively. Therefore, this variant has been classified as Likely Pathogenic.

Literature cited by the submitters: PubMed 16199547; PubMed 16308660; PubMed 16877420; PubMed 19797195; PubMed 21052717; PubMed 30886724; PubMed 31852928.